The following is an entry in ClinVar:

NM_004304.5(ALK):c.365C>G (p.Thr122Arg)

Gene: ALK (ALK receptor tyrosine kinase; minus strand). Cytogenetic location: 2p23.1.
Variant type: single nucleotide variant.
Coding change: c.365C>G on transcript NM_004304.5 (MANE Select); coding-DNA position 365, C replaced by G.
Protein change: p.Thr122Arg; replaces threonine 122 with arginine.
Molecular consequence: missense variant.
Genome position (GRCh38, 1-based): chr2:29,920,295, G>C on the plus strand (C>G on the coding strand, the complement: ALK is on the minus strand). VCF-style: chr2-29920295-G-C. GRCh37 (hg19) VCF-style: chr2-30143161-G-C.
Other names: short protein forms T122R.
Identifiers: ClinVar variation 939228 (VCV000939228.8), dbSNP rs1367800764, ClinGen allele CA346590182.

ClinVar aggregate classification (germline): Uncertain significance. Review status: criteria provided, multiple submitters, no conflicts (2 of 4 stars). 2 submissions from 2 submitters: Uncertain significance (2). Last evaluated 2025-10-15.

Conditions:
Neuroblastoma, susceptibility to, 3. Also called: ALK-Related Neuroblastic Tumor Susceptibility. Identifiers: Orphanet 635, MedGen C2751681, MONDO:0013083, OMIM 613014.
Hereditary cancer-predisposing syndrome. Also called: Tumor predisposition; Hereditary neoplastic syndrome; Neoplastic Syndromes, Hereditary; Hereditary Cancer Syndrome. Identifiers: Orphanet 140162, MedGen C0027672, MeSH D009386, MONDO:0015356.

gnomAD v4.1: 1 of 1,569,484 alleles (0.000064%); highest among the groups gnomAD compares: East Asian, 0.0024%; no homozygotes.

Submissions (2):

Labcorp Genetics (formerly Invitae), Labcorp
Classification: Uncertain significance for Neuroblastoma, susceptibility to, 3. Last evaluated: 2025-10-15. Review status: criteria provided, single submitter. Criteria: Invitae Variant Classification Sherloc (09022015). Collection method: clinical testing. Allele origin: germline.
Comment: This sequence change replaces threonine, which is neutral and polar, with arginine, which is basic and polar, at codon 122 of the ALK protein (p.Thr122Arg). This variant is not present in population databases (gnomAD no frequency). This variant has not been reported in the literature in individuals affected with ALK-related conditions. ClinVar contains an entry for this variant (Variation ID: 939228). An algorithm developed to predict the effect of missense changes on protein structure and function (PolyPhen-2) suggests that this variant is likely to be tolerated. In summary, the available evidence is currently insufficient to determine the role of this variant in disease. Therefore, it has been classified as a Variant of Uncertain Significance.

Ambry Genetics
Classification: Uncertain significance for Hereditary cancer-predisposing syndrome. Last evaluated: 2024-03-08. Review status: criteria provided, single submitter. Criteria: Ambry Variant Classification Scheme 2023. Collection method: clinical testing. Allele origin: germline.
Comment: The p.T122R variant (also known as c.365C>G), located in coding exon 1 of the ALK gene, results from a C to G substitution at nucleotide position 365. The threonine at codon 122 is replaced by arginine, an amino acid with similar properties. This amino acid position is conserved. In addition, this alteration is predicted to be tolerated by in silico analysis. Based on the available evidence, the clinical significance of this alteration remains unclear.